The following is an entry in ClinVar:

NM_003036.4(SKI):c.1050C>G (p.Asp350Glu)

Gene: SKI (SKI proto-oncogene; plus strand). Cytogenetic location: 1p36.32.
Variant type: single nucleotide variant.
Coding change: c.1050C>G on transcript NM_003036.4 (MANE Select); coding-DNA position 1050, C replaced by G.
Protein change: p.Asp350Glu; replaces aspartic acid 350 with glutamic acid.
Molecular consequence: missense variant.
Genome position (GRCh38, 1-based): chr1:2,303,058, C>G. VCF-style: chr1-2303058-C-G. GRCh37 (hg19) VCF-style: chr1-2234497-C-G.
Other names: short protein forms D350E.
Identifiers: ClinVar variation 4799795 (VCV004799795.1).

ClinVar aggregate classification (germline): Uncertain significance (1 of 4 stars; one submission).

Conditions:
Shprintzen-Goldberg syndrome (SGS). Also called: Marfanoid disorder with craniosynostosis type 1; Marfanoid craniosynostosis syndrome; Shprintzen-Goldberg marfanoid syndrome; SHPRINTZEN-GOLDBERG CRANIOSYNOSTOSIS SYNDROME; CRANIOSYNOSTOSIS WITH ARACHNODACTYLY AND ABDOMINAL HERNIAS. Identifiers: Orphanet 2462, MedGen C1321551, MONDO:0008426, OMIM 182212.

Submission:

Labcorp Genetics (formerly Invitae), Labcorp
Classification: Uncertain significance for Shprintzen-Goldberg syndrome. Last evaluated: 2025-11-05. Review status: criteria provided, single submitter. Criteria: Invitae Variant Classification Sherloc (09022015). Collection method: clinical testing. Allele origin: germline.
Comment: This sequence change replaces aspartic acid, which is acidic and polar, with glutamic acid, which is acidic and polar, at codon 350 of the SKI protein (p.Asp350Glu). This variant is not present in population databases (gnomAD no frequency). This variant has not been reported in the literature in individuals affected with SKI-related conditions. Invitae Evidence Modeling of protein sequence and biophysical properties (such as structural, functional, and spatial information, amino acid conservation, physicochemical variation, residue mobility, and thermodynamic stability) indicates that this missense variant is not expected to disrupt SKI protein function with a negative predictive value of 95%. In summary, the available evidence is currently insufficient to determine the role of this variant in disease. Therefore, it has been classified as a Variant of Uncertain Significance.